The following is an entry in ClinVar:

ClinVar aggregate classification (germline): Uncertain significance (1 of 4 stars; one submission).

Allele frequency attached by ClinVar (database versions not stated): gnomAD exomes below 0.00001.
gnomAD v4.1: 1 of 1,614,242 alleles (0.000062%); highest among the groups gnomAD compares: Non-Finnish European, 0.000085%; no homozygotes.

Submission:

Labcorp Genetics (formerly Invitae), Labcorp
Classification: Uncertain significance. Last evaluated: 2025-03-30. Review status: criteria provided, single submitter. Criteria: Invitae Variant Classification Sherloc (09022015). Collection method: clinical testing. Allele origin: germline.
Comment: This sequence change replaces cysteine, which is neutral and slightly polar, with arginine, which is basic and polar, at codon 616 of the IL12RB2 protein (p.Cys616Arg). This variant is not present in population databases (gnomAD no frequency). This variant has not been reported in the literature in individuals affected with IL12RB2-related conditions. ClinVar contains an entry for this variant (Variation ID: 2133262). An algorithm developed to predict the effect of missense changes on protein structure and function outputs the following: PolyPhen-2: "Benign". The arginine amino acid residue is found in multiple mammalian species, which suggests that this missense change does not adversely affect protein function. In summary, the available evidence is currently insufficient to determine the role of this variant in disease. Therefore, it has been classified as a Variant of Uncertain Significance.

NM_001374259.2(IL12RB2):c.1846T>C (p.Cys616Arg)

Gene: IL12RB2 (interleukin 12 receptor subunit beta 2; plus strand). Cytogenetic location: 1p31.3.
Variant type: single nucleotide variant.
Coding change: c.1846T>C on transcript NM_001374259.2 (MANE Select); coding-DNA position 1846, T replaced by C.
Protein change: p.Cys616Arg; replaces cysteine 616 with arginine.
Molecular consequence: missense variant. On other transcripts: non-coding transcript variant (2).
Genome position (GRCh38, 1-based): chr1:67,380,114, T>C. VCF-style: chr1-67380114-T-C. GRCh37 (hg19) VCF-style: chr1-67845797-T-C.
Other names: c.1846T>C, p.Cys616Arg (NM_001258214.1, NM_001258216.1, NM_001319233.1 and 1 more transcripts); c.1588T>C, p.Cys530Arg (NM_001258215.1); short protein forms C616R, C530R.
Identifiers: ClinVar variation 2133262 (VCV002133262.4), dbSNP rs2523360075, ClinGen allele CA340731781.